The following is an entry in ClinVar:

NM_001122630.2(CDKN1C):c.250G>C (p.Val84Leu)

Gene: CDKN1C (cyclin dependent kinase inhibitor 1C; minus strand). Cytogenetic location: 11p15.4.
Variant type: single nucleotide variant.
Coding change: c.250G>C on transcript NM_001122630.2 (MANE Select); coding-DNA position 250, G replaced by C.
Protein change: p.Val84Leu; replaces valine 84 with leucine.
Molecular consequence: missense variant.
Genome position (GRCh38, 1-based): chr11:2,885,207, C>G on the plus strand (G>C on the coding strand, the complement: CDKN1C is on the minus strand). VCF-style: chr11-2885207-C-G. GRCh37 (hg19) VCF-style: chr11-2906437-C-G.
Other names: c.283G>C, p.Val95Leu (NM_000076.2, NM_001362474.2); c.250G>C, p.Val84Leu (NM_001122631.2, NM_001362475.2); short protein forms V84L, V95L.
Identifiers: ClinVar variation 1009306 (VCV001009306.9), dbSNP rs762106424, ClinGen allele CA379147089.

ClinVar aggregate classification (germline): Uncertain significance (1 of 4 stars; one submission).

Conditions:
Beckwith-Wiedemann syndrome (BWS). Also called: EMG SYNDROME; Exomphalos macroglossia gigantism syndrome. Identifiers: Orphanet 116, MedGen C0004903, MONDO:0007534, OMIM 130650.

Submission:

Labcorp Genetics (formerly Invitae), Labcorp
Classification: Uncertain significance for Beckwith-Wiedemann syndrome. Last evaluated: 2020-09-01. Review status: criteria provided, single submitter. Criteria: Invitae Variant Classification Sherloc (09022015). Collection method: clinical testing. Allele origin: germline.
Comment: In summary, the available evidence is currently insufficient to determine the role of this variant in disease. Therefore, it has been classified as a Variant of Uncertain Significance. Algorithms developed to predict the effect of missense changes on protein structure and function are either unavailable or do not agree on the potential impact of this missense change (SIFT: "Deleterious"; PolyPhen-2: "Benign"; Align-GVGD: "Class C0"). This variant has not been reported in the literature in individuals with CDKN1C-related conditions. The frequency data for this variant in the population databases is considered unreliable, as metrics indicate insufficient coverage at this position in the ExAC database. This sequence change replaces valine with leucine at codon 95 of the CDKN1C protein (p.Val95Leu). The valine residue is highly conserved and there is a small physicochemical difference between valine and leucine.